The following is an entry in ClinVar:

NM_001378454.1(ALMS1):c.160T>G (p.Leu54Val)

Gene: ALMS1 (ALMS1 centrosome and basal body associated protein; plus strand). Cytogenetic location: 2p13.1.
Variant type: single nucleotide variant.
Coding change: c.160T>G on transcript NM_001378454.1 (MANE Select); coding-DNA position 160, T replaced by G.
Protein change: p.Leu54Val; replaces leucine 54 with valine.
Molecular consequence: missense variant.
Genome position (GRCh38, 1-based): chr2:73,386,028, T>G. VCF-style: chr2-73386028-T-G. GRCh37 (hg19) VCF-style: chr2-73613156-T-G.
Other names: c.163T>G, p.Leu55Val (NM_015120.4); short protein forms L54V, L55V.
Identifiers: ClinVar variation 989562 (VCV000989562.7), dbSNP rs745737550, ClinGen allele CA1712752.

ClinVar aggregate classification (germline): Uncertain significance. Review status: criteria provided, multiple submitters, no conflicts (2 of 4 stars). 3 submissions from 3 submitters: Uncertain significance (2). 1 of the submissions does not count toward it. Last evaluated 2022-04-05.

Conditions:
Alstrom syndrome (ALMS). Identifiers: Orphanet 64, MedGen C0268425, MONDO:0008763, OMIM 203800.

Allele frequency attached by ClinVar (database versions not stated): ExAC below 0.00001.

Submissions (3):

Fulgent Genetics
Classification: Uncertain significance for Alstrom syndrome. Last evaluated: 2022-04-05. Review status: criteria provided, single submitter. Criteria: ACMG Guidelines, 2015. Collection method: clinical testing. Allele origin: unknown.

Labcorp Genetics (formerly Invitae), Labcorp
Classification: Uncertain significance for Alstrom syndrome. Last evaluated: 2021-12-13. Review status: criteria provided, single submitter. Criteria: Invitae Variant Classification Sherloc (09022015). Collection method: clinical testing. Allele origin: germline.
Comment: This sequence change replaces leucine, which is neutral and non-polar, with valine, which is neutral and non-polar, at codon 55 of the ALMS1 protein (p.Leu55Val). The frequency data for this variant in the population databases is considered unreliable, as metrics indicate poor data quality at this position in the gnomAD database. This variant has not been reported in the literature in individuals affected with ALMS1-related conditions. ClinVar contains an entry for this variant (Variation ID: 989562). Experimental studies and prediction algorithms are not available or were not evaluated, and the functional significance of this variant is currently unknown. In summary, the available evidence is currently insufficient to determine the role of this variant in disease. Therefore, it has been classified as a Variant of Uncertain Significance.

Natera, Inc.
Classification: Uncertain significance for Alstrom syndrome. Last evaluated: 2020-09-04. Review status: no assertion criteria provided. Collection method: clinical testing. Allele origin: germline. Not counted in ClinVar's aggregate classification.